The following is an entry in ClinVar:

NM_004369.4(COL6A3):c.3525G>A (p.Met1175Ile)

Gene: COL6A3 (collagen type VI alpha 3 chain; minus strand). Cytogenetic location: 2q37.3.
Variant type: single nucleotide variant.
Coding change: c.3525G>A on transcript NM_004369.4 (MANE Select); coding-DNA position 3525, G replaced by A.
Protein change: p.Met1175Ile; replaces methionine 1175 with isoleucine.
Molecular consequence: missense variant.
Genome position (GRCh38, 1-based): chr2:237,374,566, C>T on the plus strand (G>A on the coding strand, the complement: COL6A3 is on the minus strand). VCF-style: chr2-237374566-C-T. GRCh37 (hg19) VCF-style: chr2-238283209-C-T.
Other names: c.2304G>A, p.Met768Ile (NM_057164.5); c.2907G>A, p.Met969Ile (NM_057165.5, NM_057167.4); c.1704G>A, p.Met568Ile (NM_057166.5); short protein forms M1175I, M768I, M568I, M969I.
Identifiers: ClinVar variation 2915421 (VCV002915421.3), dbSNP rs2469905073, ClinGen allele CA351202300.

ClinVar aggregate classification (germline): Uncertain significance (1 of 4 stars; one submission).

Conditions:
Bethlem myopathy 1A. Also called: MYOPATHY, BENIGN CONGENITAL, WITH CONTRACTURES; Bethlem myopathy 1; Bethlem Muscular Dystrophy. Identifiers: Orphanet 610, MedGen CN029274, MONDO:0024530, OMIM 158810.

Allele frequency attached by ClinVar (database versions not stated): gnomAD exomes below 0.00001.

Submission:

Labcorp Genetics (formerly Invitae), Labcorp
Classification: Uncertain significance for Bethlem myopathy 1A. Last evaluated: 2023-03-22. Review status: criteria provided, single submitter. Criteria: Invitae Variant Classification Sherloc (09022015). Collection method: clinical testing. Allele origin: germline.
Comment: This variant has not been reported in the literature in individuals affected with COL6A3-related conditions. In summary, the available evidence is currently insufficient to determine the role of this variant in disease. Therefore, it has been classified as a Variant of Uncertain Significance. Advanced modeling of protein sequence and biophysical properties (such as structural, functional, and spatial information, amino acid conservation, physicochemical variation, residue mobility, and thermodynamic stability) performed at Invitae indicates that this missense variant is not expected to disrupt COL6A3 protein function. This variant is not present in population databases (gnomAD no frequency). This sequence change replaces methionine, which is neutral and non-polar, with isoleucine, which is neutral and non-polar, at codon 1175 of the COL6A3 protein (p.Met1175Ile).